The following is an entry in ClinVar:

NM_182961.4(SYNE1):c.9117A>C (p.Lys3039Asn)

Gene: SYNE1 (spectrin repeat containing nuclear envelope protein 1; minus strand). Cytogenetic location: 6q25.2.
Variant type: single nucleotide variant.
Coding change: c.9117A>C on transcript NM_182961.4 (MANE Select); coding-DNA position 9117, A replaced by C.
Protein change: p.Lys3039Asn; replaces lysine 3039 with asparagine.
Molecular consequence: missense variant.
Genome position (GRCh38, 1-based): chr6:152,376,805, T>G on the plus strand (A>C on the coding strand, the complement: SYNE1 is on the minus strand). VCF-style: chr6-152376805-T-G. GRCh37 (hg19) VCF-style: chr6-152697940-T-G.
Other names: c.9138A>C, p.Lys3046Asn (NM_033071.5); short protein forms K3039N, K3046N.
Identifiers: ClinVar variation 285674 (VCV000285674.15), dbSNP rs77221231, ClinGen allele CA4057402.

ClinVar aggregate classification (germline): Conflicting classifications of pathogenicity. Review status: criteria provided, conflicting classifications (1 of 4 stars). 5 submissions from 4 submitters: Uncertain significance (2); Benign (2); Likely benign (1). Last evaluated 2025-10-29.

Conditions:
Autosomal recessive ataxia, Beauce type. Also called: Spinocerebellar ataxia, autosomal recessive 8; ATAXIA, RECESSIVE, OF BEAUCE; SYNE1 Deficiency; SYNE1-Related Autosomal Recessive Cerebellar Ataxia. Identifiers: Orphanet 88644, MedGen C1853116, MONDO:0012549, OMIM 610743.
Emery-Dreifuss muscular dystrophy 4, autosomal dominant (EDMD4). Also called: EMERY-DREIFUSS MUSCULAR DYSTROPHY 4 WITH VARIABLE FEATURES. Identifiers: Orphanet 261, MedGen C2751807, MONDO:0013071, OMIM 612998.

Allele frequency attached by ClinVar (database versions not stated): TOPMed 0.00005; gnomAD 0.00006 and 0.00023; ExAC 0.00011; gnomAD exomes 0.00011; 1000 Genomes Project 30x 0.00141; 1000 Genomes Project 0.00180.
gnomAD v4.1: 768 of 1,614,062 alleles (0.048%); highest among the groups gnomAD compares: East Asian, 1.7%; 15 homozygotes.

Submissions (5):

Athena Diagnostics
Classification: Benign. Last evaluated: 2025-10-29. Review status: criteria provided, single submitter. Criteria: Athena Diagnostics Criteria. Collection method: clinical testing. Allele origin: unknown.
Comment: The frequency of this variant in the general population is higher than would generally be expected for pathogenic variants in this gene. Computational tools predict this amino acid change may be benign.

Labcorp Genetics (formerly Invitae), Labcorp
Classification: Uncertain significance for Emery-Dreifuss muscular dystrophy 4, autosomal dominant; Autosomal recessive ataxia, Beauce type. Last evaluated: 2025-06-27. Review status: criteria provided, single submitter. Criteria: Invitae Variant Classification Sherloc (09022015). Collection method: clinical testing. Allele origin: germline.
Comment: This sequence change replaces lysine, which is basic and polar, with asparagine, which is neutral and polar, at codon 3046 of the SYNE1 protein (p.Lys3046Asn). This variant is present in population databases (rs77221231, gnomAD 0.1%). This variant has not been reported in the literature in individuals affected with SYNE1-related conditions. ClinVar contains an entry for this variant (Variation ID: 285674). An algorithm developed to predict the effect of missense changes on protein structure and function (PolyPhen-2) suggests that this variant is likely to be disruptive. In summary, the available evidence is currently insufficient to determine the role of this variant in disease. Therefore, it has been classified as a Variant of Uncertain Significance.

Illumina Laboratory Services, Illumina
Classification: Uncertain significance for Autosomal recessive ataxia, Beauce type. Last evaluated: 2018-01-13. Review status: criteria provided, single submitter. Criteria: ICSL Variant Classification Criteria 13 December 2019. Collection method: clinical testing. Allele origin: germline.

Illumina Laboratory Services, Illumina
Classification: Benign for Emery-Dreifuss muscular dystrophy 4, autosomal dominant. Last evaluated: 2018-01-13. Review status: criteria provided, single submitter. Criteria: ICSL Variant Classification Criteria 13 December 2019. Collection method: clinical testing. Allele origin: germline.
Comment: This variant was observed in the ICSL laboratory as part of a predisposition screen in an ostensibly healthy population. It had not been previously curated by ICSL or reported in the Human Gene Mutation Database (HGMD: prior to June 1st, 2018), and was therefore a candidate for classification through an automated scoring system. Utilizing variant allele frequency, disease prevalence and penetrance estimates, and inheritance mode, an automated score was calculated to assess if this variant is too frequent to cause the disease. Based on the score and internal cut-off values, a variant classified as benign is not then subjected to further curation. The score for this variant resulted in a classification of benign for this disease.

Eurofins Ntd Llc (ga)
Classification: Likely benign. Last evaluated: 2016-01-25. Review status: criteria provided, single submitter. Criteria: EGL Classification Definitions 2015. Collection method: clinical testing. Allele origin: germline. Observed: 2 variant alleles, 2 heterozygotes.